The following is an entry in ClinVar:

ClinVar aggregate classification (germline): Uncertain significance (1 of 4 stars; one submission).

Submission:

CeGaT Center for Human Genetics Tuebingen
Classification: Uncertain significance. Last evaluated: 2022-12-01. Review status: criteria provided, single submitter. Criteria: CeGaT Center For Human Genetics Tuebingen Variant Classification Criteria Version 2. Collection method: clinical testing. Allele origin: germline. Affected: yes. Observed: 1 variant allele.
Comment: SASH1: PM2

NM_015278.5(SASH1):c.1118dup (p.Ser374fs)

Gene: SASH1 (SAM and SH3 domain containing 1; plus strand). Cytogenetic location: 6q25.1.
Variant type: Duplication.
Coding change: c.1118dup on transcript NM_015278.5 (MANE Select); coding-DNA position 1118, one base duplicated (T; older notation c.1118dupT).
Protein change: p.Ser374fs; shifts the reading frame from serine 374.
Molecular consequence: frameshift variant.
Genome position (GRCh38, 1-based): chr6:148,519,802, T duplicated; the last of 2 consecutive T bases (chr6:148,519,801-148,519,802); duplicating either gives the same sequence. VCF-style (leftmost placement, unchanged base first): chr6-148519800-C-CT. GRCh37 (hg19) VCF-style: chr6-148840936-C-CT.
Other names: c.983dup, p.Ser329fs (NM_001346505.2); c.746dup, p.Ser250fs (NM_001346506.2); c.401dup, p.Ser135fs (NM_001346507.2, NM_001346508.2); c.278dup, p.Ser94fs (NM_001346509.2); short protein forms S135fs, S250fs, S329fs, S374fs, S94fs.
Identifiers: ClinVar variation 2656984 (VCV002656984.24), dbSNP rs2484236994, ClinGen allele CA2695198367.